The following is an entry in ClinVar:

ClinVar aggregate classification (germline): Uncertain significance. Review status: criteria provided, multiple submitters, no conflicts (2 of 4 stars). 3 submissions from 3 submitters: Uncertain significance (3). Last evaluated 2025-05-18.

Conditions:
Amyotrophic lateral sclerosis type 1 (ALS1). Also called: AMYOTROPHIC LATERAL SCLEROSIS 1, FAMILIAL. Identifiers: Orphanet 803, MedGen C1862939, MONDO:0007103, OMIM 105400.
Perry syndrome. Also called: PARKINSONISM WITH ALVEOLAR HYPOVENTILATION AND MENTAL DEPRESSION. Identifiers: Orphanet 178509, MedGen C1868594, MONDO:0008201, OMIM 168605.
Neuronopathy, distal hereditary motor, type 7B. Also called: Distal Hereditary Motor Neuronopathy Type 7B (dHMN7B); NEURONOPATHY, DISTAL HEREDITARY MOTOR, AUTOSOMAL DOMINANT 14; NEURONOPATHY, DISTAL HEREDITARY MOTOR, HARDING TYPE VIIB; NEUROPATHY, DISTAL HEREDITARY MOTOR, HARDING TYPE VIIB; NEUROPATHY, DISTAL HEREDITARY MOTOR, WITH VOCAL CORD PARALYSIS, HARDING TYPE VIIB; HMN VIIB. Identifiers: Orphanet 139589, MedGen C1843315, MONDO:0011879, OMIM 607641.

Allele frequency attached by ClinVar (database versions not stated): TOPMed 0.00001; ExAC 0.00002; gnomAD exomes 0.00002.

Submissions (3):

Labcorp Genetics (formerly Invitae), Labcorp
Classification: Uncertain significance for Amyotrophic lateral sclerosis type 1; Neuronopathy, distal hereditary motor, type 7B; Perry syndrome. Last evaluated: 2025-05-18. Review status: criteria provided, single submitter. Criteria: Invitae Variant Classification Sherloc (09022015). Collection method: clinical testing. Allele origin: germline.
Comment: This sequence change replaces arginine, which is basic and polar, with cysteine, which is neutral and slightly polar, at codon 795 of the DCTN1 protein (p.Arg795Cys). This variant is present in population databases (rs771231109, gnomAD 0.01%). This missense change has been observed in individual(s) with clinical features of DCTN1-related conditions (PMID: 34255403, 36504048). ClinVar contains an entry for this variant (Variation ID: 1024404). Invitae Evidence Modeling of protein sequence and biophysical properties (such as structural, functional, and spatial information, amino acid conservation, physicochemical variation, residue mobility, and thermodynamic stability) has been performed for this missense variant. However, the output from this modeling did not meet the statistical confidence thresholds required to predict the impact of this variant on DCTN1 protein function. In summary, the available evidence is currently insufficient to determine the role of this variant in disease. Therefore, it has been classified as a Variant of Uncertain Significance.

ARUP Laboratories, Molecular Genetics and Genomics, ARUP Laboratories
Classification: Uncertain significance. Last evaluated: 2024-01-02. Review status: criteria provided, single submitter. Criteria: ARUP Molecular Germline Variant Investigation Process 2024. Collection method: clinical testing. Allele origin: germline.
Comment: The DCTN1 c.2383C>T; p.Arg795Cys variant (rs771231109), to our knowledge, is not reported in the medical literature but is reported in ClinVar (Variation ID: 1024404). This variant is found in the general population with an overall allele frequency of 0.002% (5/251,470 alleles) in the Genome Aggregation Database. Computational analyses predict that this variant is deleterious (REVEL: 0.819). However, given the lack of clinical and functional data, the significance of this variant is uncertain at this time.

AiLife Diagnostics
Classification: Uncertain significance. Last evaluated: 2021-06-03. Review status: criteria provided, single submitter. Criteria: ACMG Guidelines, 2015. Collection method: clinical testing. Allele origin: germline. Affected: yes. Observed: 1 variant allele.

Literature cited by the submitters: PubMed 34255403 (cited by Labcorp Genetics (formerly Invitae), Labcorp); PubMed 36504048 (cited by Labcorp Genetics (formerly Invitae), Labcorp).

NM_004082.5(DCTN1):c.2383C>T (p.Arg795Cys)

Gene: DCTN1 (dynactin subunit 1; minus strand). Cytogenetic location: 2p13.1.
Variant type: single nucleotide variant.
Coding change: c.2383C>T on transcript NM_004082.5 (MANE Select); coding-DNA position 2383, C replaced by T.
Protein change: p.Arg795Cys; replaces arginine 795 with cysteine.
Molecular consequence: missense variant. On other transcripts: non-coding transcript variant (1).
Genome position (GRCh38, 1-based): chr2:74,366,866, G>A on the plus strand (C>T on the coding strand, the complement: DCTN1 is on the minus strand). VCF-style: chr2-74366866-G-A. GRCh37 (hg19) VCF-style: chr2-74593993-G-A.
Other names: c.1981C>T, p.Arg661Cys (NM_023019.4, NM_001135041.3); c.2323C>T, p.Arg775Cys (NM_001135040.3); c.2272C>T, p.Arg758Cys (NM_001190836.2); c.2362C>T, p.Arg788Cys (NM_001190837.2); c.2332C>T, p.Arg778Cys (NM_001378991.1); c.2314C>T, p.Arg772Cys (NM_001378992.1); short protein forms R661C, R758C, R772C, R775C, R778C, R788C, R795C.
Identifiers: ClinVar variation 1024404 (VCV001024404.12), dbSNP rs771231109, ClinGen allele CA1721860.